The following is an entry in ClinVar:

ClinVar aggregate classification (germline): Uncertain significance. Review status: criteria provided, multiple submitters, no conflicts (2 of 4 stars). 2 submissions from 2 submitters: Uncertain significance (2). Last evaluated 2025-11-08.

Allele frequency attached by ClinVar (database versions not stated): ExAC 0.00001; gnomAD exomes 0.00001; gnomAD 0.00003; TOPMed 0.00006.
gnomAD v4.1: 14 of 1,603,176 alleles (0.00087%); highest among the groups gnomAD compares: African/African-American, 0.004%; no homozygotes.

Submissions (2):

Ambry Genetics
Classification: Uncertain significance. Last evaluated: 2025-11-08. Review status: criteria provided, single submitter. Criteria: Ambry Variant Classification Scheme 2023. Collection method: clinical testing. Allele origin: germline.

Labcorp Genetics (formerly Invitae), Labcorp
Classification: Uncertain significance. Last evaluated: 2024-06-12. Review status: criteria provided, single submitter. Criteria: Invitae Variant Classification Sherloc (09022015). Collection method: clinical testing. Allele origin: germline.
Comment: This sequence change replaces aspartic acid, which is acidic and polar, with asparagine, which is neutral and polar, at codon 1047 of the DSCAML1 protein (p.Asp1047Asn). This variant is present in population databases (rs753992533, gnomAD 0.007%). This variant has not been reported in the literature in individuals affected with DSCAML1-related conditions. ClinVar contains an entry for this variant (Variation ID: 2181122). An algorithm developed to predict the effect of missense changes on protein structure and function (PolyPhen-2) suggests that this variant is likely to be disruptive. In summary, the available evidence is currently insufficient to determine the role of this variant in disease. Therefore, it has been classified as a Variant of Uncertain Significance.

NM_020693.4(DSCAML1):c.2959G>A (p.Asp987Asn)

Gene: DSCAML1 (DS cell adhesion molecule like 1; minus strand). Cytogenetic location: 11q23.3.
Variant type: single nucleotide variant.
Coding change: c.2959G>A on transcript NM_020693.4 (MANE Select); coding-DNA position 2959, G replaced by A.
Protein change: p.Asp987Asn; replaces aspartic acid 987 with asparagine.
Molecular consequence: missense variant.
Genome position (GRCh38, 1-based): chr11:117,469,975, C>T on the plus strand (G>A on the coding strand, the complement: DSCAML1 is on the minus strand). VCF-style: chr11-117469975-C-T. GRCh37 (hg19) VCF-style: chr11-117340691-C-T.
Other names: c.3139G>A (NM_020693.2); short protein forms D987N.
Identifiers: ClinVar variation 2181122 (VCV002181122.5), dbSNP rs753992533, ClinGen allele CA6296832.